The following is an entry in ClinVar:

NM_021008.4(DEAF1):c.709C>A (p.Pro237Thr)

Gene: DEAF1 (DEAF1 transcription factor; minus strand). Cytogenetic location: 11p15.5.
Variant type: single nucleotide variant.
Coding change: c.709C>A on transcript NM_021008.4 (MANE Select); coding-DNA position 709, C replaced by A.
Protein change: p.Pro237Thr; replaces proline 237 with threonine.
Molecular consequence: missense variant. On other transcripts: 5 prime UTR variant (4), intron variant (1).
Genome position (GRCh38, 1-based): chr11:686,953, G>T on the plus strand (C>A on the coding strand, the complement: DEAF1 is on the minus strand). VCF-style: chr11-686953-G-T. GRCh37 (hg19) VCF-style: chr11-686953-G-T.
Other names: c.-18C>A (NM_001367390.1, NM_001440885.1, NM_001440886.1 and 1 more transcripts); c.709C>A, p.Pro237Thr (NM_001440883.1, NM_001440884.1); c.664+958C>A (NM_001293634.2); short protein forms P237T.
Identifiers: ClinVar variation 4686173 (VCV004686173.1).

ClinVar aggregate classification (germline): Pathogenic (1 of 4 stars; one submission).

Submission:

GeneDx
Classification: Pathogenic. Last evaluated: 2025-07-17. Review status: criteria provided, single submitter. Criteria: GeneDx Variant Classification Process June 2021. Collection method: clinical testing. Allele origin: germline. Affected: yes.
Comment: Not observed at significant frequency in large population cohorts (gnomAD); In silico analysis supports that this missense variant has a deleterious effect on protein structure/function; This variant is associated with the following publications: (PMID: 37596007)